The following is an entry in ClinVar:

NM_014444.5(TUBGCP4):c.644G>C (p.Ser215Thr)

Gene: TUBGCP4 (tubulin gamma complex component 4; plus strand). Cytogenetic location: 15q15.3.
Variant type: single nucleotide variant.
Coding change: c.644G>C on transcript NM_014444.5 (MANE Select); coding-DNA position 644, G replaced by C.
Protein change: p.Ser215Thr; replaces serine 215 with threonine.
Molecular consequence: missense variant.
Genome position (GRCh38, 1-based): chr15:43,383,425, G>C. VCF-style: chr15-43383425-G-C. GRCh37 (hg19) VCF-style: chr15-43675623-G-C.
Other names: c.644G>C, p.Ser215Thr (NM_001286414.3); short protein forms S215T.
Identifiers: ClinVar variation 955757 (VCV000955757.7), dbSNP rs1566892857, ClinGen allele CA392120157.

ClinVar aggregate classification (germline): Uncertain significance (1 of 4 stars; one submission).

gnomAD v4.1: 3 of 1,614,100 alleles (0.00019%); highest among the groups gnomAD compares: Non-Finnish European, 0.00025%; no homozygotes.

Submission:

Labcorp Genetics (formerly Invitae), Labcorp
Classification: Uncertain significance. Last evaluated: 2021-09-01. Review status: criteria provided, single submitter. Criteria: Invitae Variant Classification Sherloc (09022015). Collection method: clinical testing. Allele origin: germline.
Comment: This sequence change replaces serine with threonine at codon 215 of the TUBGCP4 protein (p.Ser215Thr). The serine residue is weakly conserved and there is a small physicochemical difference between serine and threonine. This variant is not present in population databases (ExAC no frequency). This variant has not been reported in the literature in individuals affected with TUBGCP4-related conditions. Algorithms developed to predict the effect of missense changes on protein structure and function output the following: SIFT: "Tolerated"; PolyPhen-2: "Benign"; Align-GVGD: "Class C0". The threonine amino acid residue is found in multiple mammalian species, which suggests that this missense change does not adversely affect protein function. In summary, the available evidence is currently insufficient to determine the role of this variant in disease. Therefore, it has been classified as a Variant of Uncertain Significance.